The following is an entry in ClinVar:

NM_006767.4(LZTR1):c.2483T>C (p.Ile828Thr)

Gene: LZTR1 (leucine zipper like post translational regulator 1; plus strand). Cytogenetic location: 22q11.21.
Variant type: single nucleotide variant.
Coding change: c.2483T>C on transcript NM_006767.4 (MANE Select); coding-DNA position 2483, T replaced by C.
Protein change: p.Ile828Thr; replaces isoleucine 828 with threonine.
Molecular consequence: missense variant.
Genome position (GRCh38, 1-based): chr22:20,997,308, T>C. VCF-style: chr22-20997308-T-C. GRCh37 (hg19) VCF-style: chr22-21351597-T-C.
Other names: short protein forms I828T.
Identifiers: ClinVar variation 3541650 (VCV003541650.1).

ClinVar aggregate classification (germline): Uncertain significance (1 of 4 stars; one submission).

Conditions:
Hereditary cancer-predisposing syndrome. Also called: Hereditary Cancer Syndrome; Hereditary neoplastic syndrome; Tumor predisposition; Neoplastic Syndromes, Hereditary. Identifiers: Orphanet 140162, MedGen C0027672, MeSH D009386, MONDO:0015356.
Cardiovascular phenotype. Identifiers: MedGen CN230736.

Submission:

Ambry Genetics
Classification: Uncertain significance for Cardiovascular phenotype; Hereditary cancer-predisposing syndrome. Last evaluated: 2024-10-14. Review status: criteria provided, single submitter. Criteria: Ambry Variant Classification Scheme 2023. Collection method: clinical testing. Allele origin: germline.
Comment: The p.I828T variant (also known as c.2483T>C), located in coding exon 21 of the LZTR1 gene, results from a T to C substitution at nucleotide position 2483. The isoleucine at codon 828 is replaced by threonine, an amino acid with similar properties. This amino acid position is conserved. In addition, this alteration is predicted to be deleterious by in silico analysis. Based on the available evidence, the clinical significance of this variant remains unclear.